The following is an entry in ClinVar:

NM_001077653.2(TBX20):c.1321G>A (p.Ala441Thr)

Gene: TBX20 (T-box transcription factor 20; minus strand). Cytogenetic location: 7p14.2.
Variant type: single nucleotide variant.
Coding change: c.1321G>A on transcript NM_001077653.2 (MANE Select); coding-DNA position 1321, G replaced by A.
Protein change: p.Ala441Thr; replaces alanine 441 with threonine.
Molecular consequence: missense variant.
Genome position (GRCh38, 1-based): chr7:35,202,453, C>T on the plus strand (G>A on the coding strand, the complement: TBX20 is on the minus strand). VCF-style: chr7-35202453-C-T. GRCh37 (hg19) VCF-style: chr7-35242065-C-T.
Other names: short protein forms A441T.
Identifiers: ClinVar variation 2681577 (VCV002681577.2), dbSNP rs750770210.

ClinVar aggregate classification (germline): Uncertain significance. Review status: criteria provided, single submitter (1 of 4 stars). 2 submissions from 2 submitters: Uncertain significance (1). 1 of the submissions does not count toward it. Last evaluated 2026-01-08.

Conditions:
EBV-positive nodal T- and NK-cell lymphoma.

Allele frequency attached by ClinVar (database versions not stated): TOPMed below 0.00001; gnomAD 0.00005; ExAC 0.00021.
gnomAD v4.1: 66 of 1,593,002 alleles (0.0041%); highest among the groups gnomAD compares: South Asian, 0.072%; no homozygotes.

Submissions (2):

Labcorp Genetics (formerly Invitae), Labcorp
Classification: Uncertain significance. Last evaluated: 2026-01-08. Review status: criteria provided, single submitter. Criteria: Invitae Variant Classification Sherloc (09022015). Collection method: clinical testing. Allele origin: germline.
Comment: This sequence change replaces alanine, which is neutral and non-polar, with threonine, which is neutral and polar, at codon 441 of the TBX20 protein (p.Ala441Thr). This variant is present in population databases (rs750770210, gnomAD 0.07%), and has an allele count higher than expected for a pathogenic variant. This variant has not been reported in the literature in individuals affected with TBX20-related conditions. ClinVar contains an entry for this variant (Variation ID: 2681577). An algorithm developed to predict the effect of missense changes on protein structure and function outputs the following: PolyPhen-2: "Benign". The threonine amino acid residue is found in multiple mammalian species, which suggests that this missense change does not adversely affect protein function. In summary, the available evidence is currently insufficient to determine the role of this variant in disease. Therefore, it has been classified as a Variant of Uncertain Significance.

Department of Clinical Pathology, School of Medicine, Fujita Health University
Classification: Likely benign for EBV-positive nodal T- and NK-cell lymphoma. Review status: no assertion criteria provided. Collection method: research. Allele origin: unknown. Affected: yes. Not counted in ClinVar's aggregate classification.